The following is an entry in ClinVar:

NM_182919.4(TICAM1):c.11C>T (p.Thr4Ile)

Gene: TICAM1 (TIR domain containing adaptor molecule 1; minus strand). Cytogenetic location: 19p13.3.
Variant type: single nucleotide variant.
Coding change: c.11C>T on transcript NM_182919.4 (MANE Select); coding-DNA position 11, C replaced by T.
Protein change: p.Thr4Ile; replaces threonine 4 with isoleucine.
Molecular consequence: missense variant. On other transcripts: intron variant (3).
Genome position (GRCh38, 1-based): chr19:4,818,367, G>A on the plus strand (C>T on the coding strand, the complement: TICAM1 is on the minus strand). VCF-style: chr19-4818367-G-A. GRCh37 (hg19) VCF-style: chr19-4818379-G-A.
Other names: c.-89-36C>T (NM_001385679.1); c.5-36C>T (NM_001385678.1); c.-72+17C>T (NM_001385680.1); short protein forms T4I.
Identifiers: ClinVar variation 3024663 (VCV003024663.22), dbSNP rs114566317, ClinGen allele CA9105441.

ClinVar aggregate classification (germline): Likely benign (1 of 4 stars; one submission).

Allele frequency attached by ClinVar (database versions not stated): gnomAD exomes 0.00014; ExAC 0.00043; ESP Exome Variant Server 0.00077; 1000 Genomes Project 0.00080; 1000 Genomes Project 30x 0.00094; gnomAD 0.00107; TOPMed 0.00140.
gnomAD v4.1: 380 of 1,595,302 alleles (0.024%); highest among the groups gnomAD compares: African/African-American, 0.42%; 1 homozygote.

Submission:

CeGaT Center for Human Genetics Tuebingen
Classification: Likely benign. Last evaluated: 2023-12-01. Review status: criteria provided, single submitter. Criteria: CeGaT Center For Human Genetics Tuebingen Variant Classification Criteria Version 2. Collection method: clinical testing. Allele origin: germline. Affected: yes. Observed: 1 variant allele.
Comment: TICAM1: BP4